The following is an entry in ClinVar:

NM_001267550.2(TTN):c.15956A>C (p.Lys5319Thr)

Gene: TTN (titin; minus strand). Cytogenetic location: 2q31.2.
Variant type: single nucleotide variant.
Coding change: c.15956A>C on transcript NM_001267550.2 (MANE Select); coding-DNA position 15956, A replaced by C.
Protein change: p.Lys5319Thr; replaces lysine 5319 with threonine.
Molecular consequence: missense variant. On other transcripts: intron variant (3).
Genome position (GRCh38, 1-based): chr2:178,733,337, T>G on the plus strand (A>C on the coding strand, the complement: TTN is on the minus strand). VCF-style: chr2-178733337-T-G. GRCh37 (hg19) VCF-style: chr2-179598064-T-G.
Other names: p.K4075T:AAA>ACA; p.Lys4075Thr; c.15005A>C, p.Lys5002Thr (NM_001256850.1); c.12224A>C, p.Lys4075Thr (NM_133378.4); c.13282+4745A>C (NM_003319.4); c.13858+4745A>C (NM_133437.4); c.13657+4745A>C (NM_133432.3); short protein forms K4075T, K5319T, K5002T.
Identifiers: ClinVar variation 202348 (VCV000202348.3), dbSNP rs779733584, ClinGen allele CA309168.

ClinVar aggregate classification (germline): Conflicting classifications of pathogenicity. Review status: criteria provided, conflicting classifications (1 of 4 stars). 2 submissions from 2 submitters: Uncertain significance (1); Likely benign (1). Last evaluated 2025-04-28.

Allele frequency attached by ClinVar (database versions not stated): ExAC 0.00001; gnomAD exomes 0.00001; TOPMed 0.00001.
gnomAD v4.1: 3 of 1,613,830 alleles (0.00019%); highest among the groups gnomAD compares: Admixed American, 0.005%; no homozygotes.

Submissions (2):

Mayo Clinic Laboratories, Mayo Clinic
Classification: Uncertain significance. Last evaluated: 2025-04-28. Review status: criteria provided, single submitter. Criteria: ACMG Guidelines, 2015. Collection method: clinical testing. Allele origin: germline. Observed: 1 variant allele.

GeneDx
Classification: Likely benign. Last evaluated: 2012-10-18. Review status: criteria provided, single submitter. Criteria: GeneDx Variant Classification (06012015). Collection method: clinical testing. Allele origin: germline. Affected: yes.
Comment: This variant is considered likely benign or benign based on one or more of the following criteria: it is a conservative change, it occurs at a poorly conserved position in the protein, it is predicted to be benign by multiple in silico algorithms, and/or has population frequency not consistent with disease.